The following is an entry in ClinVar:

ClinVar aggregate classification (germline): Conflicting classifications of pathogenicity. Review status: criteria provided, conflicting classifications (1 of 4 stars). 2 submissions from 2 submitters: Likely pathogenic (1); Uncertain significance (1). Last evaluated 2024-02-05.

Conditions:
Autosomal recessive nonsyndromic hearing loss 2. Also called: DEAFNESS, AUTOSOMAL RECESSIVE 2; NEUROSENSORY NONSYNDROMIC RECESSIVE DEAFNESS 2. Identifiers: Orphanet 90636, MedGen C1838701, MONDO:0010807, OMIM 600060.

Allele frequency attached by ClinVar (database versions not stated): gnomAD exomes below 0.00001.
gnomAD v4.1: 3 of 1,586,298 alleles (0.00019%); highest among the groups gnomAD compares: Admixed American, 0.0018%; no homozygotes.

Submissions (2):

Labcorp Genetics (formerly Invitae), Labcorp
Classification: Uncertain significance. Last evaluated: 2024-02-05. Review status: criteria provided, single submitter. Criteria: Invitae Variant Classification Sherloc (09022015). Collection method: clinical testing. Allele origin: germline.
Comment: This sequence change replaces glycine, which is neutral and non-polar, with glutamic acid, which is acidic and polar, at codon 1298 of the MYO7A protein (p.Gly1298Glu). This variant is not present in population databases (gnomAD no frequency). This variant has not been reported in the literature in individuals affected with MYO7A-related conditions. ClinVar contains an entry for this variant (Variation ID: 1799548). Advanced modeling of protein sequence and biophysical properties (such as structural, functional, and spatial information, amino acid conservation, physicochemical variation, residue mobility, and thermodynamic stability) has been performed at Invitae for this missense variant, however the output from this modeling did not meet the statistical confidence thresholds required to predict the impact of this variant on MYO7A protein function. This variant disrupts the p.Gly1298 amino acid residue in MYO7A. Other variant(s) that disrupt this residue have been determined to be pathogenic (PMID: 29490346). This suggests that this residue is clinically significant, and that variants that disrupt this residue are likely to be disease-causing. In summary, the available evidence is currently insufficient to determine the role of this variant in disease. Therefore, it has been classified as a Variant of Uncertain Significance.

The Shared Resource Centre "Genome", Research Centre for Medical Genetics
Classification: Likely pathogenic for Autosomal recessive nonsyndromic hearing loss 2. Last evaluated: 2022-11-10. Review status: criteria provided, single submitter. Criteria: ACMG Guidelines, 2015. Collection method: clinical testing. Allele origin: germline. Affected: yes. Observed: 1 variant allele.

Literature cited by the submitters: PubMed 29490346 (cited by Labcorp Genetics (formerly Invitae), Labcorp).

NM_000260.4(MYO7A):c.3893G>A (p.Gly1298Glu)

Gene: MYO7A (myosin VIIA; plus strand). Cytogenetic location: 11q13.5.
Variant type: single nucleotide variant.
Coding change: c.3893G>A on transcript NM_000260.4 (MANE Select); coding-DNA position 3893, G replaced by A.
Protein change: p.Gly1298Glu; replaces glycine 1298 with glutamic acid.
Molecular consequence: missense variant.
Genome position (GRCh38, 1-based): chr11:77,190,839, G>A. VCF-style: chr11-77190839-G-A. GRCh37 (hg19) VCF-style: chr11-76901884-G-A.
Other names: c.3893G>A, p.Gly1298Glu (NM_001127180.2); c.3860G>A, p.Gly1287Glu (NM_001369365.1); short protein forms G1298E, G1287E.
Identifiers: ClinVar variation 1799548 (VCV001799548.6), dbSNP rs1188561568, ClinGen allele CA381947897.
Genomic context (GRCh38, chr11:77,190,839, plus strand): 5'-CCACGGCCAAGGAGCTCTGCAACGCGCTGGCCGACAAGATCTCTCTCAAGGACCGGTTCG[G>A]GTTCTCCCTCTACATTGCCCTGTTTGACAAGGTATGGCCGCCCGGAAGCACCTCCTCCCG-3'
Protein context (NP_000251.3, residues 1288-1308): ADKISLKDRF[Gly1298Glu]FSLYIALFDK